The following is an entry in ClinVar:

NM_201596.3(CACNB2):c.295G>A (p.Ala99Thr)

Gene: CACNB2 (calcium voltage-gated channel auxiliary subunit beta 2; plus strand). Cytogenetic location: 10p12.31.
Variant type: single nucleotide variant.
Coding change: c.295G>A on transcript NM_201596.3 (MANE Select); coding-DNA position 295, G replaced by A.
Protein change: p.Ala99Thr; replaces alanine 99 with threonine.
Molecular consequence: missense variant.
Genome position (GRCh38, 1-based): chr10:18,402,005, G>A. VCF-style: chr10-18402005-G-A. GRCh37 (hg19) VCF-style: chr10-18690934-G-A.
Other names: c.130G>A, p.Ala44Thr (NM_000724.4, NM_001330060.2); c.211G>A, p.Ala71Thr (NM_001167945.2, NM_201571.4, NM_201572.4); c.151G>A, p.Ala51Thr (NM_001410882.1, NM_201570.3); c.133G>A, p.Ala45Thr (NM_201590.3); c.295G>A, p.Ala99Thr (NM_201593.3, NM_201597.3); short protein forms A51T, A71T, A45T, A99T, A44T.
Identifiers: ClinVar variation 4841442 (VCV004841442.1).
Genomic context (GRCh38, chr10:18,402,005, plus strand): 5'-AGCCGTCCATCCGATTCCGATGTATCTCTGGAGGAGGACCGGGAGGCAGTGCGCAGAGAA[G>A]CGGAGCGGCAGGCCCAGGCACAGTTGGAAAAAGCAAAGGTAAAATCGTTTCCTCCCTGCC-3'
Protein context (NP_963890.2, residues 89-109): EEDREAVRRE[Ala99Thr]ERQAQAQLEK

ClinVar aggregate classification (germline): Uncertain significance (1 of 4 stars; one submission).

Conditions:
Cardiovascular phenotype. Identifiers: MedGen CN230736.

Submission:

Ambry Genetics
Classification: Uncertain significance for Cardiovascular phenotype. Last evaluated: 2026-01-10. Review status: criteria provided, single submitter. Criteria: Ambry Variant Classification Scheme 2023. Collection method: clinical testing. Allele origin: germline.
Comment: The p.A45T variant (also known as c.133G>A), located in coding exon 2 of the CACNB2 gene, results from a G to A substitution at nucleotide position 133. The alanine at codon 45 is replaced by threonine, an amino acid with similar properties. This amino acid position is conserved. In addition, the in silico prediction for this alteration is inconclusive. Based on the available evidence, the clinical significance of this variant remains unclear.